The following is an entry in ClinVar:

ClinVar aggregate classification (germline): Uncertain significance (1 of 4 stars; one submission).

Conditions:
Developmental and epileptic encephalopathy, 30 (DEE30). Also called: Epileptic encephalopathy, early infantile, 30. Identifiers: MedGen C4225360, MONDO:0014595, OMIM 616341.

Submission:

Labcorp Genetics (formerly Invitae), Labcorp
Classification: Uncertain significance for Developmental and epileptic encephalopathy, 30. Last evaluated: 2025-08-18. Review status: criteria provided, single submitter. Criteria: Invitae Variant Classification Sherloc (09022015). Collection method: clinical testing. Allele origin: germline.
Comment: This sequence change replaces leucine, which is neutral and non-polar, with proline, which is neutral and non-polar, at codon 563 of the SIK1 protein (p.Leu563Pro). This variant is not present in population databases (gnomAD no frequency). This variant has not been reported in the literature in individuals affected with SIK1-related conditions. ClinVar contains an entry for this variant (Variation ID: 2801582). Invitae Evidence Modeling of protein sequence and biophysical properties (such as structural, functional, and spatial information, amino acid conservation, physicochemical variation, residue mobility, and thermodynamic stability) indicates that this missense variant is not expected to disrupt SIK1 protein function with a negative predictive value of 95%. In summary, the available evidence is currently insufficient to determine the role of this variant in disease. Therefore, it has been classified as a Variant of Uncertain Significance.

NM_173354.5(SIK1):c.1688T>C (p.Leu563Pro)

Gene: SIK1 (salt inducible kinase 1; minus strand). Cytogenetic location: 21q22.3.
Variant type: single nucleotide variant.
Coding change: c.1688T>C on transcript NM_173354.5 (MANE Select); coding-DNA position 1688, T replaced by C.
Protein change: p.Leu563Pro; replaces leucine 563 with proline.
Molecular consequence: missense variant.
Genome position (GRCh38, 1-based): chr21:43,418,316, A>G on the plus strand (T>C on the coding strand, the complement: SIK1 is on the minus strand). VCF-style: chr21-43418316-A-G. GRCh37 (hg19) VCF-style: chr21-44838196-A-G.
Other names: short protein forms L563P.
Identifiers: ClinVar variation 2801582 (VCV002801582.3), dbSNP rs1569014633, ClinGen allele CA410607513.
Genomic context (GRCh38, chr21:43,418,316, plus strand): 5'-TCACCTTGAGTCAGTGAGGTGTCCGACGCCCGCCGTCCCTCCTGGAAGCTGACAGGGAGC[A>G]GAACAGCTCCTCCCAAGCCCCCCTGAGCCTGCAGCACTGGGGTGGCGGACTGCGACCCCA-3'
Protein context (NP_775490.2, residues 553-573): QAQGGLGGAV[Leu563Pro]LPVSFQEGRR